The following is an entry in ClinVar:

ClinVar aggregate classification (germline): Pathogenic (1 of 4 stars; one submission).

Conditions:
Hereditary cancer-predisposing syndrome. Also called: Tumor predisposition; Neoplastic Syndromes, Hereditary; Hereditary Cancer Syndrome; Hereditary neoplastic syndrome. Identifiers: Orphanet 140162, MedGen C0027672, MeSH D009386, MONDO:0015356.

Submission:

Ambry Genetics
Classification: Pathogenic for Hereditary cancer-predisposing syndrome. Last evaluated: 2025-02-05. Review status: criteria provided, single submitter. Criteria: Ambry Variant Classification Scheme 2023. Collection method: clinical testing. Allele origin: germline.
Comment: The c.926_932dupTAAGTAA pathogenic mutation, located in coding exon 4 of the PALB2 gene, results from a duplication of TAAGTAA at nucleotide position 926, causing a translational frameshift with a predicted alternate stop codon (p.K311Nfs*3). This variant is considered to be rare based on population cohorts in the Genome Aggregation Database (gnomAD). This alteration is expected to result in loss of function by premature protein truncation or nonsense-mediated mRNA decay. As such, this alteration is interpreted as a disease-causing mutation.

NM_024675.4(PALB2):c.926_932dup (p.Lys311delinsAsnLysTer)

Gene: PALB2 (partner and localizer of BRCA2; minus strand). Cytogenetic location: 16p12.2.
Variant type: Duplication.
Coding change: c.926_932dup on transcript NM_024675.4 (MANE Select); coding-DNA positions 926 to 932, 7 bases duplicated (TAAGTAA; older notation c.926_932dupTAAGTAA).
Protein change: p.Lys311delinsAsnLysTer.
Molecular consequence: nonsense. On other transcripts: intron variant (3), frameshift variant (1).
Genome position (GRCh38, 1-based): chr16:23,635,614-23,635,620, TTACTTA duplicated on the plus strand (TAAGTAA on the coding strand, the reverse complement: PALB2 is on the minus strand); duplicating any 7 consecutive bases within chr16:23,635,614-23,635,621 gives the same sequence; the c. name uses the placement nearest the transcript's 3' end. VCF-style (leftmost placement, unchanged base first): chr16-23635613-T-TTTACTTA. GRCh37 (hg19) VCF-style: chr16-23646934-T-TTTACTTA.
Other names: c.866_872dup, p.Lys291delinsAsnLysTer (NM_001407296.1); c.926_932dup, p.Lys311delinsAsnLysTer (NM_001407297.1, NM_001407298.1, NM_001407299.1 and 3 more transcripts); c.41_47dup, p.Lys16delinsAsnLysTer (NM_001407304.1, NM_001407305.1, NM_001407306.1 and 5 more transcripts); c.48+5490_48+5496dup (NM_001407314.1); c.-104-5151_-104-5145dup (NM_001407313.1, NM_001407312.1); c.926_932dupTAAGTAA (NM_024675.3).
Identifiers: ClinVar variation 3885207 (VCV003885207.1).